The following is an entry in ClinVar:

NM_001365276.2(TNXB):c.8525C>T (p.Pro2842Leu)

Gene: TNXB (tenascin XB; minus strand). Cytogenetic location: 6p21.33.
Variant type: single nucleotide variant.
Coding change: c.8525C>T on transcript NM_001365276.2 (MANE Select); coding-DNA position 8525, C replaced by T.
Protein change: p.Pro2842Leu; replaces proline 2842 with leucine.
Molecular consequence: missense variant.
Genome position (GRCh38, 1-based): chr6:32,053,654, G>A on the plus strand (C>T on the coding strand, the complement: TNXB is on the minus strand). VCF-style: chr6-32053654-G-A. GRCh37 (hg19) VCF-style: chr6-32021431-G-A.
Other names: c.8519C>T, p.Pro2840Leu (NM_019105.8); short protein forms P2840L, P2842L.
Identifiers: ClinVar variation 393003 (VCV000393003.2), dbSNP rs1057524738, ClinGen allele CA16604958.

ClinVar aggregate classification (germline): Uncertain significance (1 of 4 stars; one submission).

Allele frequency attached by ClinVar (database versions not stated): gnomAD 0.00003.
gnomAD v4.1: 7 of 1,613,372 alleles (0.00043%); highest among the groups gnomAD compares: South Asian, 0.0022%; no homozygotes.

Submission:

GeneDx
Classification: Uncertain significance. Last evaluated: 2018-01-09. Review status: criteria provided, single submitter. Criteria: GeneDx Variant Classification (06012015). Collection method: clinical testing. Allele origin: germline. Affected: yes.
Comment: The P2840L variant in the TNXB gene has not been reported previously as a pathogenic variant, nor as a benign variant, to our knowledge. The P2840L variant was not observed in approximately 3,900 individuals of European and African American ancestry in the NHLBI Exome Sequencing Project, indicating it is not a common benign variant in these populations. The P2840L variant is a semi-conservative amino acid substitution, which may impact secondary protein structure as these residues differ in some properties. This substitution occurs at a position that is not conserved. In silico analysis is inconsistent in its predictions as to whether or not the variant is damaging to the protein structure/function. We interpret P2840L as a variant of uncertain significance.